The following is an entry in ClinVar:

NM_006231.4(POLE):c.1236del (p.Arg413fs)

Gene: POLE (DNA polymerase epsilon, catalytic subunit; minus strand). Cytogenetic location: 12q24.33.
Variant type: Deletion.
Coding change: c.1236del on transcript NM_006231.4 (MANE Select); coding-DNA position 1236, one base deleted (G; older notation c.1236delG).
Protein change: p.Arg413fs; shifts the reading frame from arginine 413.
Molecular consequence: frameshift variant.
Genome position (GRCh38, 1-based): chr12:132,673,698, C deleted on the plus strand (G on the coding strand, the reverse complement: POLE is on the minus strand). VCF-style (leftmost placement, unchanged base first): chr12-132673697-TC-T. GRCh37 (hg19) VCF-style: chr12-133250283-TC-T.
Other names: short protein forms R413fs.
Identifiers: ClinVar variation 2810008 (VCV002810008.3), dbSNP rs2542147593, ClinGen allele CA2739277395.

ClinVar aggregate classification (germline): Pathogenic (1 of 4 stars; one submission).

Submission:

Labcorp Genetics (formerly Invitae), Labcorp
Classification: Pathogenic. Last evaluated: 2022-10-27. Review status: criteria provided, single submitter. Criteria: Invitae Variant Classification Sherloc (09022015). Collection method: clinical testing. Allele origin: germline.
Comment: For these reasons, this variant has been classified as Pathogenic. This variant has not been reported in the literature in individuals affected with POLE-related conditions. This variant is not present in population databases (gnomAD no frequency). This sequence change creates a premature translational stop signal (p.Arg413Glyfs*20) in the POLE gene. It is expected to result in an absent or disrupted protein product. Loss-of-function variants in POLE are known to be pathogenic (PMID: 23230001, 25948378, 30503519).

Literature cited by the submitters: PubMed 23230001; PubMed 25948378; PubMed 30503519.